The following is an entry in ClinVar:

NM_014423.4(AFF4):c.1835A>T (p.Asn612Ile)

Gene: AFF4 (ALF transcription elongation factor 4; minus strand). Cytogenetic location: 5q31.1.
Variant type: single nucleotide variant.
Coding change: c.1835A>T on transcript NM_014423.4 (MANE Select); coding-DNA position 1835, A replaced by T.
Protein change: p.Asn612Ile; replaces asparagine 612 with isoleucine.
Molecular consequence: missense variant.
Genome position (GRCh38, 1-based): chr5:132,896,795, T>A on the plus strand (A>T on the coding strand, the complement: AFF4 is on the minus strand). VCF-style: chr5-132896795-T-A. GRCh37 (hg19) VCF-style: chr5-132232487-T-A.
Other names: short protein forms N612I.
Identifiers: ClinVar variation 3365648 (VCV003365648.1).

ClinVar aggregate classification (germline): Uncertain significance (1 of 4 stars; one submission).

gnomAD v4.1: 1 of 1,614,160 alleles (0.000062%); highest among the groups gnomAD compares: Non-Finnish European, 0.000085%; no homozygotes.

Submission:

GeneDx
Classification: Uncertain significance. Last evaluated: 2023-12-15. Review status: criteria provided, single submitter. Criteria: GeneDx Variant Classification Process June 2021. Collection method: clinical testing. Allele origin: germline. Affected: yes.
Comment: Not observed at significant frequency in large population cohorts (gnomAD); In silico analysis supports that this missense variant has a deleterious effect on protein structure/function; Has not been previously published as pathogenic or benign to our knowledge